The following is an entry in ClinVar:

NM_001347886.2(DNAH3):c.3291A>C (p.Ala1097=)

Gene: DNAH3 (dynein axonemal heavy chain 3; minus strand). Cytogenetic location: 16p12.3.
Variant type: single nucleotide variant.
Coding change: c.3291A>C on transcript NM_001347886.2 (MANE Select); coding-DNA position 3291, A replaced by C.
Protein change: p.Ala1097=; no amino-acid change (alanine 1097 retained).
Molecular consequence: synonymous variant.
Genome position (GRCh38, 1-based): chr16:21,067,372, T>G on the plus strand (A>C on the coding strand, the complement: DNAH3 is on the minus strand). VCF-style: chr16-21067372-T-G. GRCh37 (hg19) VCF-style: chr16-21078693-T-G.
Other names: c.3429A>C, p.Ala1143= (NM_017539.2).
Identifiers: ClinVar variation 402724 (VCV000402724.5), dbSNP rs861424, ClinGen allele CA7948087.

ClinVar aggregate classification (germline): Benign. Review status: criteria provided, multiple submitters, no conflicts (2 of 4 stars). 2 submissions from 2 submitters: Benign (2). Last evaluated 2016-03-29.

Allele frequency attached by ClinVar (database versions not stated): ESP Exome Variant Server 0.40917; TOPMed 0.42448; 1000 Genomes Project 30x 0.43770; 1000 Genomes Project 0.44449.
gnomAD v4.1: 682,738 of 1,613,456 alleles (42%); highest among the groups gnomAD compares: East Asian, 70%; 147,696 homozygotes.

Submissions (2):

Laboratory for Molecular Medicine, Mass General Brigham Personalized Medicine
Classification: Benign. Last evaluated: 2016-03-29. Review status: criteria provided, single submitter. Criteria: LMM Criteria. Collection method: clinical testing. Allele origin: germline.
Comment: Variant identified in a genome or exome case(s) and assessed due to predicted null impact of the variant or pathogenic assertions in the literature or databases. Disclaimer: This variant has not undergone full assessment. The following are preliminary notes: Frequency

Breakthrough Genomics
Classification: Benign. Review status: criteria provided, single submitter. Criteria: ACMG Guidelines, 2015. Collection method: not provided. Allele origin: germline. Inheritance: Unknown mechanism. Affected: yes.